The following is an entry in ClinVar:

ClinVar aggregate classification (germline): Uncertain significance. Review status: criteria provided, multiple submitters, no conflicts (2 of 4 stars). 2 submissions from 2 submitters: Uncertain significance (2). Last evaluated 2025-06-24.

Conditions:
Inborn genetic diseases. Identifiers: MedGen C0950123, MeSH D030342.

Allele frequency attached by ClinVar (database versions not stated): ExAC 0.00001; TOPMed 0.00001; gnomAD 0.00004; ESP Exome Variant Server 0.00008.
gnomAD v4.1: 13 of 1,614,102 alleles (0.00081%); highest among the groups gnomAD compares: African/African-American, 0.015%; no homozygotes.

Submissions (2):

Ambry Genetics
Classification: Uncertain significance for Inborn genetic diseases. Last evaluated: 2025-06-24. Review status: criteria provided, single submitter. Criteria: Ambry Variant Classification Scheme 2023. Collection method: clinical testing. Allele origin: germline.

Labcorp Genetics (formerly Invitae), Labcorp
Classification: Uncertain significance. Last evaluated: 2022-05-25. Review status: criteria provided, single submitter. Criteria: Invitae Variant Classification Sherloc (09022015). Collection method: clinical testing. Allele origin: germline.
Comment: This sequence change replaces leucine, which is neutral and non-polar, with methionine, which is neutral and non-polar, at codon 22 of the CTSK protein (p.Leu22Met). This variant is present in population databases (rs145128083, gnomAD 0.008%). This variant has not been reported in the literature in individuals affected with CTSK-related conditions. Advanced modeling of protein sequence and biophysical properties (such as structural, functional, and spatial information, amino acid conservation, physicochemical variation, residue mobility, and thermodynamic stability) performed at Invitae indicates that this missense variant is expected to disrupt CTSK protein function. In summary, the available evidence is currently insufficient to determine the role of this variant in disease. Therefore, it has been classified as a Variant of Uncertain Significance.

NM_000396.4(CTSK):c.64C>A (p.Leu22Met)

Gene: CTSK (cathepsin K; minus strand). Cytogenetic location: 1q21.3.
Variant type: single nucleotide variant.
Coding change: c.64C>A on transcript NM_000396.4 (MANE Select); coding-DNA position 64, C replaced by A.
Protein change: p.Leu22Met; replaces leucine 22 with methionine.
Molecular consequence: missense variant.
Genome position (GRCh38, 1-based): chr1:150,806,742, G>T on the plus strand (C>A on the coding strand, the complement: CTSK is on the minus strand). VCF-style: chr1-150806742-G-T. GRCh37 (hg19) VCF-style: chr1-150779218-G-T.
Other names: c.64C>A (NM_000396.3); short protein forms L22M.
Identifiers: ClinVar variation 2149205 (VCV002149205.2), dbSNP rs145128083, ClinGen allele CA1080592.
Genomic context (GRCh38, chr1:150,806,742, plus strand): 5'-GCACCTTGTTGTTATATTGCTTCCTGTGGGTCTTCTTCCATAGCTCCCAGTGGGTGTCCA[G>T]TATCTCCTCAGGGTACAGAGCAAAGCTCACCACAGGTAGCAGCAGAACCTTGAGCCCCCA-3'
Protein context (NP_000387.1, residues 12-32): VSFALYPEEI[Leu22Met]DTHWELWKKT